The following is an entry in ClinVar:

ClinVar aggregate classification (germline): Uncertain significance (1 of 4 stars; one submission).

Allele frequency attached by ClinVar (database versions not stated): gnomAD exomes below 0.00001; TOPMed below 0.00001; gnomAD 0.00001.
gnomAD v4.1: 3 of 1,612,248 alleles (0.00019%); highest among the groups gnomAD compares: Non-Finnish European, 0.00025%; no homozygotes.

Submission:

GeneDx
Classification: Uncertain significance. Last evaluated: 2023-02-15. Review status: criteria provided, single submitter. Criteria: GeneDx Variant Classification Process June 2021. Collection method: clinical testing. Allele origin: germline. Affected: yes.
Comment: Has not been previously published as pathogenic or benign to our knowledge; Not observed at significant frequency in large population cohorts (gnomAD); In silico analysis supports that this missense variant has a deleterious effect on protein structure/function

NM_014991.6(WDFY3):c.2764C>T (p.Pro922Ser)

Genes: WDFY3 (WD repeat and FYVE domain containing 3; minus strand), WDFY3-AS1 (WDFY3 antisense RNA 1; plus strand). Cytogenetic location: 4q21.23.
Variant type: single nucleotide variant.
Coding change: c.2764C>T on transcript NM_014991.6 (MANE Select); coding-DNA position 2764, C replaced by T.
Protein change: p.Pro922Ser; replaces proline 922 with serine.
Molecular consequence: missense variant.
Genome position (GRCh38, 1-based): chr4:84,801,708, G>A on the plus strand (C>T on the coding strand, the complement: WDFY3 is on the minus strand). VCF-style: chr4-84801708-G-A. GRCh37 (hg19) VCF-style: chr4-85722861-G-A.
Other names: short protein forms P922S.
Identifiers: ClinVar variation 2576827 (VCV002576827.1), dbSNP rs1169064463, ClinGen allele CA357563700.